The following is an entry in ClinVar:

NM_001378454.1(ALMS1):c.7507G>T (p.Ala2503Ser)

Gene: ALMS1 (ALMS1 centrosome and basal body associated protein; plus strand). Cytogenetic location: 2p13.1.
Variant type: single nucleotide variant.
Coding change: c.7507G>T on transcript NM_001378454.1 (MANE Select); coding-DNA position 7507, G replaced by T.
Protein change: p.Ala2503Ser; replaces alanine 2503 with serine.
Molecular consequence: missense variant.
Genome position (GRCh38, 1-based): chr2:73,454,034, G>T. VCF-style: chr2-73454034-G-T. GRCh37 (hg19) VCF-style: chr2-73681161-G-T.
Other names: c.7510G>T, p.Ala2504Ser (NM_015120.4); short protein forms A2504S, A2503S.
Identifiers: ClinVar variation 377156 (VCV000377156.19), dbSNP rs202060439, ClinGen allele CA1714243.

ClinVar aggregate classification (germline): Uncertain significance. Review status: criteria provided, multiple submitters, no conflicts (2 of 4 stars). 7 submissions from 7 submitters: Uncertain significance (6). 1 of the submissions does not count toward it. Last evaluated 2025-08-19.

Conditions:
Cardiovascular phenotype. Identifiers: MedGen CN230736.
Alstrom syndrome (ALMS). Identifiers: Orphanet 64, MedGen C0268425, MONDO:0008763, OMIM 203800.

Allele frequency attached by ClinVar (database versions not stated): TOPMed 0.00012.
gnomAD v4.1: 297 of 1,612,836 alleles (0.018%); highest among the groups gnomAD compares: Non-Finnish European, 0.023%; no homozygotes.

Submissions (7):

GeneDx
Classification: Uncertain significance. Last evaluated: 2025-08-19. Review status: criteria provided, single submitter. Criteria: GeneDx Variant Classification Process June 2021. Collection method: clinical testing. Allele origin: germline. Affected: yes.
Comment: Observed with a second variant (phase unknown) in a patient with intellectual disability in published literature (PMID: 35764379); Not observed at significant frequency in large population cohorts (gnomAD); In silico analysis suggests that this missense variant does not alter protein structure/function; This variant is associated with the following publications: (PMID: 35764379)

Blueprint Genetics
Classification: Uncertain significance. Last evaluated: 2024-11-06. Review status: criteria provided, single submitter. Criteria: ACMG Guidelines, 2015. Collection method: clinical testing. Allele origin: germline.

Ambry Genetics
Classification: Uncertain significance for Cardiovascular phenotype. Last evaluated: 2022-09-02. Review status: criteria provided, single submitter. Criteria: Ambry Variant Classification Scheme 2023. Collection method: clinical testing. Allele origin: germline.
Comment: The p.A2504S variant (also known as c.7510G>T), located in coding exon 8 of the ALMS1 gene, results from a G to T substitution at nucleotide position 7510. The alanine at codon 2504 is replaced by serine, an amino acid with similar properties. This amino acid position is highly conserved in available vertebrate species. In addition, this alteration is predicted to be tolerated by in silico analysis. Since supporting evidence is limited at this time, the clinical significance of this alteration remains unclear.

Labcorp Genetics (formerly Invitae), Labcorp
Classification: Uncertain significance for Alstrom syndrome. Last evaluated: 2022-08-05. Review status: criteria provided, single submitter. Criteria: Invitae Variant Classification Sherloc (09022015). Collection method: clinical testing. Allele origin: germline.
Comment: This sequence change replaces alanine, which is neutral and non-polar, with serine, which is neutral and polar, at codon 2504 of the ALMS1 protein (p.Ala2504Ser). This variant is present in population databases (rs202060439, gnomAD 0.02%). This variant has not been reported in the literature in individuals affected with ALMS1-related conditions. ClinVar contains an entry for this variant (Variation ID: 377156). Experimental studies and prediction algorithms are not available or were not evaluated, and the functional significance of this variant is currently unknown. In summary, the available evidence is currently insufficient to determine the role of this variant in disease. Therefore, it has been classified as a Variant of Uncertain Significance.

Athena Diagnostics
Classification: Uncertain significance. Last evaluated: 2018-10-05. Review status: criteria provided, single submitter. Criteria: Athena Diagnostics Criteria. Collection method: clinical testing. Allele origin: germline.

Center for Pediatric Genomic Medicine, Children's Mercy Hospital and Clinics
Classification: Uncertain significance. Last evaluated: 2016-09-28. Review status: criteria provided, single submitter. Criteria: ACMG Guidelines, 2015. Collection method: clinical testing. Allele origin: germline.
ClinVar note: Converted during submission from Uncertain Significance to Uncertain significance.

Natera, Inc.
Classification: Uncertain significance for Alstrom syndrome. Last evaluated: 2021-06-06. Review status: no assertion criteria provided. Collection method: clinical testing. Allele origin: germline. Not counted in ClinVar's aggregate classification.